The following is an entry in ClinVar:

NM_020810.3(TRMT5):c.1243A>G (p.Ile415Val)

Gene: TRMT5 (tRNA methyltransferase 5; minus strand). Cytogenetic location: 14q23.1.
Variant type: single nucleotide variant.
Coding change: c.1243A>G on transcript NM_020810.3 (MANE Select); coding-DNA position 1243, A replaced by G.
Protein change: p.Ile415Val; replaces isoleucine 415 with valine.
Molecular consequence: missense variant.
Genome position (GRCh38, 1-based): chr14:60,975,676, T>C on the plus strand (A>G on the coding strand, the complement: TRMT5 is on the minus strand). VCF-style: chr14-60975676-T-C. GRCh37 (hg19) VCF-style: chr14-61442394-T-C.
Other names: c.1327A>G, p.Ile443Val (NM_001350253.1); c.1324A>G, p.Ile442Val (NM_001350254.1); short protein forms I443V, I415V, I442V.
Identifiers: ClinVar variation 1927229 (VCV001927229.2), dbSNP rs751572477, ClinGen allele CA7213743.

ClinVar aggregate classification (germline): Uncertain significance (1 of 4 stars; one submission).

Allele frequency attached by ClinVar (database versions not stated): gnomAD 0.00001; TOPMed 0.00002.
gnomAD v4.1: 26 of 1,614,178 alleles (0.0016%); highest among the groups gnomAD compares: Admixed American, 0.005%; no homozygotes.

Submission:

Labcorp Genetics (formerly Invitae), Labcorp
Classification: Uncertain significance. Last evaluated: 2021-12-18. Review status: criteria provided, single submitter. Criteria: Invitae Variant Classification Sherloc (09022015). Collection method: clinical testing. Allele origin: germline.
Comment: This sequence change replaces isoleucine, which is neutral and non-polar, with valine, which is neutral and non-polar, at codon 415 of the TRMT5 protein (p.Ile415Val). This variant is present in population databases (rs751572477, gnomAD 0.009%). This variant has not been reported in the literature in individuals affected with TRMT5-related conditions. Algorithms developed to predict the effect of missense changes on protein structure and function output the following: SIFT: "Tolerated"; PolyPhen-2: "Benign"; Align-GVGD: "Class C0". The valine amino acid residue is found in multiple mammalian species, which suggests that this missense change does not adversely affect protein function. In summary, the available evidence is currently insufficient to determine the role of this variant in disease. Therefore, it has been classified as a Variant of Uncertain Significance.